The following is an entry in ClinVar:

NM_001130987.2(DYSF):c.5202G>C (p.Gln1734His)

Gene: DYSF (dysferlin; plus strand). Cytogenetic location: 2p13.2.
Variant type: single nucleotide variant.
Coding change: c.5202G>C on transcript NM_001130987.2 (MANE Select); coding-DNA position 5202, G replaced by C.
Protein change: p.Gln1734His; replaces glutamine 1734 with histidine.
Molecular consequence: missense variant.
Genome position (GRCh38, 1-based): chr2:71,665,189, G>C. VCF-style: chr2-71665189-G-C. GRCh37 (hg19) VCF-style: chr2-71892319-G-C.
Other names: c.5088G>C, p.Gln1696His (NM_001130455.2); c.5043G>C, p.Gln1681His (NM_001130976.2); c.5106G>C, p.Gln1702His (NM_001130977.2); c.5148G>C, p.Gln1716His (NM_001130978.2); c.5178G>C, p.Gln1726His (NM_001130979.2); c.5136G>C, p.Gln1712His (NM_001130980.2); c.5199G>C, p.Gln1733His (NM_001130981.2); c.5181G>C, p.Gln1727His (NM_001130982.2); and 5 more; short protein forms Q1696H, Q1702H, Q1717H, Q1682H, Q1695H, Q1716H, Q1681H, Q1712H.
Identifiers: ClinVar variation 1375218 (VCV001375218.8), dbSNP rs749455148, ClinGen allele CA347220957.

ClinVar aggregate classification (germline): Uncertain significance (1 of 4 stars; one submission).

Conditions:
Neuromuscular disease caused by qualitative or quantitative defects of dysferlin. Also called: Dysferlinopathy; Qualitative or quantitative defects of dysferlin. Identifiers: Orphanet 207073, MedGen C2931687, MONDO:0016145.

gnomAD v4.1: 1 of 1,613,580 alleles (0.000062%); highest among the groups gnomAD compares: Non-Finnish European, 0.000085%; no homozygotes.

Submission:

Labcorp Genetics (formerly Invitae), Labcorp
Classification: Uncertain significance for Neuromuscular disease caused by qualitative or quantitative defects of dysferlin. Last evaluated: 2023-05-08. Review status: criteria provided, single submitter. Criteria: Invitae Variant Classification Sherloc (09022015). Collection method: clinical testing. Allele origin: germline.
Comment: This sequence change replaces glutamine, which is neutral and polar, with histidine, which is basic and polar, at codon 1695 of the DYSF protein (p.Gln1695His). In summary, the available evidence is currently insufficient to determine the role of this variant in disease. Therefore, it has been classified as a Variant of Uncertain Significance. Advanced modeling of protein sequence and biophysical properties (such as structural, functional, and spatial information, amino acid conservation, physicochemical variation, residue mobility, and thermodynamic stability) has been performed at Invitae for this missense variant, however the output from this modeling did not meet the statistical confidence thresholds required to predict the impact of this variant on DYSF protein function. ClinVar contains an entry for this variant (Variation ID: 1375218). This variant has not been reported in the literature in individuals affected with DYSF-related conditions. This variant is not present in population databases (gnomAD no frequency).